The following is an entry in ClinVar:

NM_001367624.2(ZNF469):c.7103G>T (p.Gly2368Val)

Gene: ZNF469 (zinc finger protein 469; plus strand). Cytogenetic location: 16q24.2.
Variant type: single nucleotide variant.
Coding change: c.7103G>T on transcript NM_001367624.2 (MANE Select); coding-DNA position 7103, G replaced by T.
Protein change: p.Gly2368Val; replaces glycine 2368 with valine.
Molecular consequence: missense variant.
Genome position (GRCh38, 1-based): chr16:88,434,573, G>T. VCF-style: chr16-88434573-G-T. GRCh37 (hg19) VCF-style: chr16-88500981-G-T.
Other names: NM_001127464.1:c.7019G>T; short protein forms G2368V.
Identifiers: ClinVar variation 3821146 (VCV003821146.1).

ClinVar aggregate classification (germline): Uncertain significance (1 of 4 stars; one submission).

Conditions:
Cardiovascular phenotype. Identifiers: MedGen CN230736.

gnomAD v4.1: 1 of 1,550,200 alleles (0.000065%); highest among the groups gnomAD compares: Non-Finnish European, 0.000087%; no homozygotes.

Submission:

Ambry Genetics
Classification: Uncertain significance for Cardiovascular phenotype. Last evaluated: 2025-02-10. Review status: criteria provided, single submitter. Criteria: Ambry Variant Classification Scheme 2023. Collection method: clinical testing. Allele origin: germline.
Comment: The p.G2340V variant (also known as c.7019G>T), located in coding exon 2 of the ZNF469 gene, results from a G to T substitution at nucleotide position 7019. The glycine at codon 2340 is replaced by valine, an amino acid with dissimilar properties. This amino acid position is conserved. In addition, this alteration is predicted to be tolerated by in silico analysis. Based on the available evidence, the clinical significance of this variant remains unclear.